The following is an entry in ClinVar:

ClinVar aggregate classification (germline): Uncertain significance (1 of 4 stars; one submission).

Submission:

Labcorp Genetics (formerly Invitae), Labcorp
Classification: Uncertain significance. Last evaluated: 2022-02-05. Review status: criteria provided, single submitter. Criteria: Invitae Variant Classification Sherloc (09022015). Collection method: clinical testing. Allele origin: germline.
Comment: In summary, the available evidence is currently insufficient to determine the role of this variant in disease. Therefore, it has been classified as a Variant of Uncertain Significance. A similar copy number variant has been observed in individual(s) with X-linked retinoschisis (Invitae). This variant results in a copy number gain of the genomic region encompassing exon(s) 6 of the RS1 gene. This region includes the termination codon of the gene. This copy number gain extends beyond the assayed region for this gene and therefore may encompass additional genes. As the precise location of this event is unknown, it may be in tandem or it may be located elsewhere in the genome.

NC_000023.10:g.(?_18660124)_(18660296_?)dup

Genes: CDKL5 (cyclin dependent kinase like 5; plus strand), RS1 (retinoschisin 1; minus strand). Cytogenetic location: Xp22.13.
Variant type: Duplication.
Identifiers: ClinVar variation 2422910 (VCV002422910.4).